The following is an entry in ClinVar:

ClinVar aggregate classification (germline): Uncertain significance (1 of 4 stars; one submission).

Conditions:
Hereditary cancer-predisposing syndrome. Also called: Neoplastic Syndromes, Hereditary; Tumor predisposition; Hereditary neoplastic syndrome; Hereditary Cancer Syndrome. Identifiers: Orphanet 140162, MedGen C0027672, MeSH D009386, MONDO:0015356.

Submission:

Ambry Genetics
Classification: Uncertain significance for Hereditary cancer-predisposing syndrome. Last evaluated: 2023-02-14. Review status: criteria provided, single submitter. Criteria: Ambry Variant Classification Scheme 2023. Collection method: clinical testing. Allele origin: germline.
Comment: The p.Q797R variant (also known as c.2390A>G), located in coding exon 5 of the PALB2 gene, results from an A to G substitution at nucleotide position 2390. The glutamine at codon 797 is replaced by arginine, an amino acid with highly similar properties. This amino acid position is well conserved in available vertebrate species. In addition, this alteration is predicted to be tolerated by in silico analysis. Since supporting evidence is limited at this time, the clinical significance of this alteration remains unclear.

NM_024675.4(PALB2):c.2390A>G (p.Gln797Arg)

Gene: PALB2 (partner and localizer of BRCA2; minus strand). Cytogenetic location: 16p12.2.
Variant type: single nucleotide variant.
Coding change: c.2390A>G on transcript NM_024675.4 (MANE Select); coding-DNA position 2390, A replaced by G.
Protein change: p.Gln797Arg; replaces glutamine 797 with arginine.
Molecular consequence: missense variant. On other transcripts: intron variant (1).
Genome position (GRCh38, 1-based): chr16:23,629,764, T>C on the plus strand (A>G on the coding strand, the complement: PALB2 is on the minus strand). VCF-style: chr16-23629764-T-C. GRCh37 (hg19) VCF-style: chr16-23641085-T-C.
Other names: c.2330A>G, p.Gln777Arg (NM_001407296.1); c.2390A>G, p.Gln797Arg (NM_001407297.1, NM_001407298.1, NM_001407299.1 and 3 more transcripts); c.1505A>G, p.Gln502Arg (NM_001407304.1, NM_001407305.1, NM_001407306.1 and 5 more transcripts); c.602A>G, p.Gln201Arg (NM_001407312.1, NM_001407313.1); c.49-489A>G (NM_001407314.1); short protein forms Q502R, Q777R, Q201R, Q797R.
Identifiers: ClinVar variation 2453305 (VCV002453305.2), dbSNP rs2142374138, ClinGen allele CA395124565.